The following is an entry in ClinVar:

ClinVar aggregate classification (germline): Uncertain significance (1 of 4 stars; one submission).

Conditions:
Very long chain acyl-CoA dehydrogenase deficiency (ACADVLD). Also called: Very Long-Chain Acyl-Coenzyme A Dehydrogenase Deficiency; VLCAD Deficiency. Identifiers: Orphanet 26793, MedGen C3887523, MONDO:0008723, OMIM 201475.

Allele frequency attached by ClinVar (database versions not stated): TOPMed below 0.00001; gnomAD 0.00001.
gnomAD v4.1: 4 of 1,614,088 alleles (0.00025%); highest among the groups gnomAD compares: Admixed American, 0.0017%; no homozygotes.

Submission:

Labcorp Genetics (formerly Invitae), Labcorp
Classification: Uncertain significance for Very long chain acyl-CoA dehydrogenase deficiency. Last evaluated: 2022-07-17. Review status: criteria provided, single submitter. Criteria: Invitae Variant Classification Sherloc (09022015). Collection method: clinical testing. Allele origin: germline.
Comment: In summary, the available evidence is currently insufficient to determine the role of this variant in disease. Therefore, it has been classified as a Variant of Uncertain Significance. Algorithms developed to predict the effect of missense changes on protein structure and function (SIFT, PolyPhen-2, Align-GVGD) all suggest that this variant is likely to be tolerated. This variant has not been reported in the literature in individuals affected with ACADVL-related conditions. This variant is present in population databases (no rsID available, gnomAD 0.007%). This sequence change replaces lysine, which is basic and polar, with arginine, which is basic and polar, at codon 63 of the ACADVL protein (p.Lys63Arg).

NM_000018.4(ACADVL):c.188A>G (p.Lys63Arg)

Gene: ACADVL (acyl-CoA dehydrogenase very long chain; plus strand). Cytogenetic location: 17p13.1.
Variant type: single nucleotide variant.
Coding change: c.188A>G on transcript NM_000018.4 (MANE Select); coding-DNA position 188, A replaced by G.
Protein change: p.Lys63Arg; replaces lysine 63 with arginine.
Molecular consequence: missense variant. On other transcripts: 5 prime UTR variant (1), intron variant (1).
Genome position (GRCh38, 1-based): chr17:7,220,513, A>G. VCF-style: chr17-7220513-A-G. GRCh37 (hg19) VCF-style: chr17-7123832-A-G.
Other names: c.257A>G, p.Lys86Arg (NM_001270447.2); c.-41A>G (NM_001270448.2); c.139-91A>G (NM_001033859.3); short protein forms K86R, K63R.
Identifiers: ClinVar variation 2075804 (VCV002075804.4), dbSNP rs1228825102, ClinGen allele CA397722276.